The following is an entry in ClinVar:

ClinVar aggregate classification (germline): Uncertain significance. Review status: criteria provided, multiple submitters, no conflicts (2 of 4 stars). 2 submissions from 2 submitters: Uncertain significance (2). Last evaluated 2024-12-08.

Conditions:
Hereditary cancer-predisposing syndrome. Also called: Neoplastic Syndromes, Hereditary; Hereditary Cancer Syndrome; Tumor predisposition; Hereditary neoplastic syndrome. Identifiers: Orphanet 140162, MedGen C0027672, MeSH D009386, MONDO:0015356.

Submissions (2):

Ambry Genetics
Classification: Uncertain significance for Hereditary cancer-predisposing syndrome. Last evaluated: 2024-12-08. Review status: criteria provided, single submitter. Criteria: Ambry Variant Classification Scheme 2023. Collection method: clinical testing. Allele origin: germline.
Comment: The p.V825D variant (also known as c.2474T>A), located in coding exon 15 of the RAD50 gene, results from a T to A substitution at nucleotide position 2474. The valine at codon 825 is replaced by aspartic acid, an amino acid with highly dissimilar properties. This amino acid position is conserved. In addition, the in silico prediction for this alteration is inconclusive. Since supporting evidence is limited at this time, the clinical significance of this alteration remains unclear.

Labcorp Genetics (formerly Invitae), Labcorp
Classification: Uncertain significance for Hereditary cancer-predisposing syndrome. Last evaluated: 2022-05-22. Review status: criteria provided, single submitter. Criteria: Invitae Variant Classification Sherloc (09022015). Collection method: clinical testing. Allele origin: germline.
Comment: In summary, the available evidence is currently insufficient to determine the role of this variant in disease. Therefore, it has been classified as a Variant of Uncertain Significance. This sequence change replaces valine, which is neutral and non-polar, with aspartic acid, which is acidic and polar, at codon 825 of the RAD50 protein (p.Val825Asp). This variant is not present in population databases (gnomAD no frequency). This variant has not been reported in the literature in individuals affected with RAD50-related conditions. ClinVar contains an entry for this variant (Variation ID: 1040097). Algorithms developed to predict the effect of missense changes on protein structure and function (SIFT, PolyPhen-2, Align-GVGD) all suggest that this variant is likely to be tolerated.

NM_005732.4(RAD50):c.2474T>A (p.Val825Asp)

Gene: RAD50 (RAD50 double strand break repair protein; plus strand). Cytogenetic location: 5q31.1.
Variant type: single nucleotide variant.
Coding change: c.2474T>A on transcript NM_005732.4 (MANE Select); coding-DNA position 2474, T replaced by A.
Protein change: p.Val825Asp; replaces valine 825 with aspartic acid.
Molecular consequence: missense variant.
Genome position (GRCh38, 1-based): chr5:132,603,996, T>A. VCF-style: chr5-132603996-T-A. GRCh37 (hg19) VCF-style: chr5-131939688-T-A.
Other names: short protein forms V825D.
Identifiers: ClinVar variation 1040097 (VCV001040097.10), dbSNP rs1750935239, ClinGen allele CA360955699.
Genomic context (GRCh38, chr5:132,603,996, plus strand): 5'-TTGAAAGAAAAATTGCACAACAAGCAGCTAAGCTACAAGGAATAGACTTAGATCGAACTG[T>A]CCAACAAGTCAACCAGGAGAAACAAGAGAAACAGCACAAGTTAGACACAGGTAATACAGT-3'
Protein context (NP_005723.2, residues 815-835): KLQGIDLDRT[Val825Asp]QQVNQEKQEK